The following is an entry in ClinVar:

NM_005529.7(HSPG2):c.10085G>A (p.Arg3362His)

Gene: HSPG2 (heparan sulfate proteoglycan 2; minus strand). Cytogenetic location: 1p36.12.
Variant type: single nucleotide variant.
Coding change: c.10085G>A on transcript NM_005529.7 (MANE Select); coding-DNA position 10085, G replaced by A.
Protein change: p.Arg3362His; replaces arginine 3362 with histidine.
Molecular consequence: missense variant.
Genome position (GRCh38, 1-based): chr1:21,838,890, C>T on the plus strand (G>A on the coding strand, the complement: HSPG2 is on the minus strand). VCF-style: chr1-21838890-C-T. GRCh37 (hg19) VCF-style: chr1-22165383-C-T.
Other names: c.10088G>A, p.Arg3363His (NM_001291860.2); c.10085G>A (NM_005529.5); short protein forms R3362H, R3363H.
Identifiers: ClinVar variation 1049422 (VCV001049422.10), dbSNP rs748180505, ClinGen allele CA670233.

ClinVar aggregate classification (germline): Uncertain significance. Review status: criteria provided, multiple submitters, no conflicts (2 of 4 stars). 5 submissions from 5 submitters: Uncertain significance (4). 1 of the submissions does not count toward it. Last evaluated 2025-03-17.

Conditions:
Inborn genetic diseases. Identifiers: MedGen C0950123, MeSH D030342.

Allele frequency attached by ClinVar (database versions not stated): gnomAD 0.00002 and 0.00003; TOPMed 0.00003; gnomAD exomes 0.00004 and 0.00005; ExAC 0.00005.
gnomAD v4.1: 80 of 1,612,332 alleles (0.005%); highest among the groups gnomAD compares: Non-Finnish European, 0.0062%; no homozygotes.

Submissions (5):

Labcorp Genetics (formerly Invitae), Labcorp
Classification: Uncertain significance. Last evaluated: 2025-03-17. Review status: criteria provided, single submitter. Criteria: Invitae Variant Classification Sherloc (09022015). Collection method: clinical testing. Allele origin: germline.
Comment: This sequence change replaces arginine, which is basic and polar, with histidine, which is basic and polar, at codon 3362 of the HSPG2 protein (p.Arg3362His). This variant is present in population databases (rs748180505, gnomAD 0.01%). This variant has not been reported in the literature in individuals affected with HSPG2-related conditions. ClinVar contains an entry for this variant (Variation ID: 1049422). An algorithm developed to predict the effect of missense changes on protein structure and function outputs the following: PolyPhen-2: "Benign". The histidine amino acid residue is found in multiple mammalian species, which suggests that this missense change does not adversely affect protein function. In summary, the available evidence is currently insufficient to determine the role of this variant in disease. Therefore, it has been classified as a Variant of Uncertain Significance.

Athena Diagnostics
Classification: Uncertain significance. Last evaluated: 2022-02-07. Review status: criteria provided, single submitter. Criteria: Athena Diagnostics Criteria. Collection method: clinical testing. Allele origin: unknown.

Ambry Genetics
Classification: Uncertain significance for Inborn genetic diseases. Last evaluated: 2021-08-16. Review status: criteria provided, single submitter. Criteria: Ambry Variant Classification Scheme 2023. Collection method: clinical testing. Allele origin: germline.

Revvity Omics, Revvity
Classification: Uncertain significance. Last evaluated: 2019-07-22. Review status: criteria provided, single submitter. Criteria: ACMG Guidelines, 2015. Collection method: clinical testing. Allele origin: germline.

Department of Pathology and Laboratory Medicine, Sinai Health System
Classification: Uncertain significance. Review status: no assertion criteria provided. Collection method: clinical testing. Allele origin: unknown. Affected: yes. Study: The Canadian Open Genetics Repository (COGR). Not counted in ClinVar's aggregate classification.
Comment: The HSPG2 p.Arg3363His variant was not identified in the literature nor was it identified in ClinVar or LOVD 3.0. The variant was identified in dbSNP (ID: rs748180505) and in control databases in 10 of 244710 chromosomes at a frequency of 0.00004086 (Genome Aggregation Database March 6, 2019, v2.1.1). The variant was observed in the following populations: African in 2 of 15382 chromosomes (freq: 0.00013), European (non-Finnish) in 7 of 109834 chromosomes (freq: 0.000064) and East Asian in 1 of 18110 chromosomes (freq: 0.000055), but was not observed in the Latino, Ashkenazi Jewish, European (Finnish), Other, or South Asian populations. The p.Arg3363 residue is conserved in mammals but not in more distantly related organisms however computational analyses (PolyPhen-2, SIFT, AlignGVGD, BLOSUM, MutationTaster) do not suggest a high likelihood of impact to the protein; this information is not predictive enough to rule out pathogenicity. The variant occurs outside of the splicing consensus sequence and 1 of 4 in silico or computational prediction software programs (SpliceSiteFinder, MaxEntScan, NNSPLICE, GeneSplicer) predict a greater than 10% difference in splicing; this is not very predictive of pathogenicity. In summary, based on the above information the clinical significance of this variant cannot be determined with certainty at this time. This variant is classified as a variant of uncertain significance.